The following is an entry in ClinVar:

ClinVar aggregate classification (germline): Likely pathogenic (1 of 4 stars; one submission).

Conditions:
Osteogenesis imperfecta type I (OI1). Also called: Lobstein disease; OI, TYPE I; OSTEOGENESIS IMPERFECTA TARDA; OSTEOGENESIS IMPERFECTA WITH BLUE SCLERAE; Osteogenesis imperfecta type 1; Classic Non-deforming Osteogenesis Imperfecta with Blue Sclerae. Identifiers: Orphanet 216796, Orphanet 666, MedGen C0023931, MONDO:0008146, OMIM 166200. Disease mechanism: loss of function.

Submission:

Labcorp Genetics (formerly Invitae), Labcorp
Classification: Likely pathogenic for Osteogenesis imperfecta type I. Last evaluated: 2022-08-30. Review status: criteria provided, single submitter. Criteria: Invitae Variant Classification Sherloc (09022015). Collection method: clinical testing. Allele origin: germline.
Comment: In summary, the currently available evidence indicates that the variant is pathogenic, but additional data are needed to prove that conclusively. Therefore, this variant has been classified as Likely Pathogenic. Algorithms developed to predict the effect of sequence changes on RNA splicing suggest that this variant may disrupt the consensus splice site. This variant has not been reported in the literature in individuals affected with COL1A1-related conditions. This variant is not present in population databases (gnomAD no frequency). This variant results in the deletion of part of exon 44 (c.3208-56_3215del) of the COL1A1 gene. It is expected to disrupt RNA splicing. Variants that disrupt the donor or acceptor splice site typically lead to a loss of protein function (PMID: 16199547), and loss-of-function variants in COL1A1 are known to be pathogenic (PMID: 7942841, 9295084, 9443882).

Literature cited by the submitters: PubMed 16199547; PubMed 7942841; PubMed 9295084; PubMed 9443882.

NM_000088.4(COL1A1):c.3208-56_3215del

Gene: COL1A1 (collagen type I alpha 1 chain; minus strand). Cytogenetic location: 17q21.33.
Variant type: Deletion.
Coding change: c.3208-56_3215del on transcript NM_000088.4 (MANE Select); 56 bases into the intron before coding-DNA position 3208 through coding-DNA position 3215, 64 bases deleted.
Molecular consequence: splice acceptor variant.
Genome position (GRCh38, 1-based): chr17:50,188,142-50,188,205, 64 bases deleted. GRCh37 (hg19): chr17:48,265,509-48,265,572.
Identifiers: ClinVar variation 2027836 (VCV002027836.4), dbSNP rs2509174492, ClinGen allele CA2580094220.